The following is an entry in ClinVar:

NM_002225.5(IVD):c.744dup (p.Asn249Ter)

Gene: IVD (isovaleryl-CoA dehydrogenase; plus strand). Cytogenetic location: 15q15.1.
Variant type: Duplication.
Coding change: c.744dup on transcript NM_002225.5 (MANE Select); coding-DNA position 744, one base duplicated (T; older notation c.744dupT).
Protein change: p.Asn249Ter; replaces asparagine 249 with a stop codon.
Molecular consequence: nonsense. On other transcripts: non-coding transcript variant (1).
Genome position (GRCh38, 1-based): chr15:40,413,047, T duplicated. VCF-style (leftmost placement, unchanged base first): chr15-40413046-C-CT. GRCh37 (hg19) VCF-style: chr15-40705245-C-CT.
Other names: c.654dup, p.Asn219Ter (NM_001159508.3); c.696dup, p.Asn233Ter (NM_001354597.3); c.744dup, p.Asn249Ter (NM_001354598.3, NM_001354601.3); c.831dup, p.Asn278Ter (NM_001354599.3, NM_001354600.3); short protein forms N249*, N219*, N233*, N278*.
Identifiers: ClinVar variation 370789 (VCV000370789.6), dbSNP rs1057516769, ClinGen allele CA16041731.

ClinVar aggregate classification (germline): Pathogenic. Review status: criteria provided, single submitter (1 of 4 stars). 2 submissions from 2 submitters: Pathogenic (1). 1 of the submissions does not count toward it. Last evaluated 2023-11-29.

Conditions:
Isovaleryl-CoA dehydrogenase deficiency (IVA). Also called: Isovaleric acidemia; ISOVALERIC ACID CoA DEHYDROGENASE DEFICIENCY; Classic Isovaleric Acidemia; IVD DEFICIENCY. Identifiers: Orphanet 33, MedGen C0268575, MONDO:0009475, OMIM 243500.

Submissions (2):

Labcorp Genetics (formerly Invitae), Labcorp
Classification: Pathogenic for Isovaleryl-CoA dehydrogenase deficiency. Last evaluated: 2023-11-29. Review status: criteria provided, single submitter. Criteria: Invitae Variant Classification Sherloc (09022015). Collection method: clinical testing. Allele origin: germline.
Comment: This sequence change creates a premature translational stop signal (p.Asn252*) in the IVD gene. It is expected to result in an absent or disrupted protein product. Loss-of-function variants in IVD are known to be pathogenic (PMID: 16602101). This variant is not present in population databases (gnomAD no frequency). This variant has not been reported in the literature in individuals affected with IVD-related conditions. ClinVar contains an entry for this variant (Variation ID: 370789). For these reasons, this variant has been classified as Pathogenic.

Counsyl
Classification: Likely pathogenic for Isovaleryl-CoA dehydrogenase deficiency. Last evaluated: 2016-04-13. Review status: no assertion criteria provided. Collection method: clinical testing. Allele origin: unknown. Not counted in ClinVar's aggregate classification.

Literature cited by the submitters: PubMed 16602101 (cited by Labcorp Genetics (formerly Invitae), Labcorp).